The following is an entry in ClinVar:

ClinVar aggregate classification (germline): Uncertain significance (1 of 4 stars; one submission).

Conditions:
Charcot-Marie-Tooth disease axonal type 2C (HMSN2C). Also called: CHARCOT-MARIE-TOOTH DISEASE, AXONAL, AUTOSOMAL DOMINANT, TYPE 2C; Charcot-Marie-Tooth Neuropathy Type 2C; Charcot-Marie-Tooth Disease Type 2, TRPV4-Related (CMT2C). Identifiers: Orphanet 99937, MedGen C1853710, MONDO:0011633, OMIM 606071.

Allele frequency attached by ClinVar (database versions not stated): 1000 Genomes Project 0.00020; gnomAD exomes below 0.00001; TOPMed below 0.00001; ExAC 0.00001; 1000 Genomes Project 30x 0.00016; gnomAD 0.00001.
gnomAD v4.1: 6 of 1,612,214 alleles (0.00037%); highest among the groups gnomAD compares: African/African-American, 0.0053%; no homozygotes.

Submission:

Labcorp Genetics (formerly Invitae), Labcorp
Classification: Uncertain significance for Charcot-Marie-Tooth disease axonal type 2C. Last evaluated: 2024-10-18. Review status: criteria provided, single submitter. Criteria: Invitae Variant Classification Sherloc (09022015). Collection method: clinical testing. Allele origin: germline.
Comment: This sequence change replaces asparagine, which is neutral and polar, with serine, which is neutral and polar, at codon 38 of the TRPV4 protein (p.Asn38Ser). This variant is present in population databases (rs527355587, gnomAD 0.009%). This variant has not been reported in the literature in individuals affected with TRPV4-related conditions. ClinVar contains an entry for this variant (Variation ID: 2171439). Invitae Evidence Modeling of protein sequence and biophysical properties (such as structural, functional, and spatial information, amino acid conservation, physicochemical variation, residue mobility, and thermodynamic stability) indicates that this missense variant is not expected to disrupt TRPV4 protein function with a negative predictive value of 95%. In summary, the available evidence is currently insufficient to determine the role of this variant in disease. Therefore, it has been classified as a Variant of Uncertain Significance.

NM_021625.5(TRPV4):c.113A>G (p.Asn38Ser)

Gene: TRPV4 (transient receptor potential cation channel subfamily V member 4; minus strand). Cytogenetic location: 12q24.11.
Variant type: single nucleotide variant.
Coding change: c.113A>G on transcript NM_021625.5 (MANE Select); coding-DNA position 113, A replaced by G.
Protein change: p.Asn38Ser; replaces asparagine 38 with serine.
Molecular consequence: missense variant. On other transcripts: intron variant (1).
Genome position (GRCh38, 1-based): chr12:109,814,684, T>C on the plus strand (A>G on the coding strand, the complement: TRPV4 is on the minus strand). VCF-style: chr12-109814684-T-C. GRCh37 (hg19) VCF-style: chr12-110252489-T-C.
Other names: c.113A>G, p.Asn38Ser (NM_001177428.2, NM_001177433.2, NM_147204.3); c.79+34A>G (NM_001177431.1); short protein forms N38S.
Identifiers: ClinVar variation 2171439 (VCV002171439.4), dbSNP rs527355587, ClinGen allele CA6780618.